The following is an entry in ClinVar:

NM_001368894.2(PAX6):c.-284G>A

Genes: PAX6 (paired box 6; minus strand), LOC106014249 (PAX6 upstream regulatory region; plus strand). Cytogenetic location: 11p13.
Variant type: single nucleotide variant.
Coding change: c.-284G>A on transcript NM_001368894.2 (MANE Select); 284 bases upstream of the start codon, G replaced by A.
Molecular consequence: 5 prime UTR variant. On other transcripts: non-coding transcript variant (2).
Genome position (GRCh38, 1-based): chr11:31,810,983, C>T on the plus strand (G>A on the coding strand, the complement: PAX6 is on the minus strand). VCF-style: chr11-31810983-C-T. GRCh37 (hg19) VCF-style: chr11-31832531-C-T.
Other names: c.-284G>A (NM_000280.6, NM_001127612.3, NM_001258462.3 and 25 more transcripts); c.-256G>A (NM_001368893.2); c.-561G>A (NM_001368904.2); c.-1065G>A (NM_001368905.2); c.-423G>A (NM_001368909.2); c.-184G>A (NM_001368910.2); c.-143G>A (NM_001368911.2).
Identifiers: ClinVar variation 2430867 (VCV002430867.2), dbSNP rs1956951630, ClinGen allele CA1962055164.

ClinVar aggregate classification (germline): Uncertain significance (1 of 4 stars; one submission).

Allele frequency attached by ClinVar (database versions not stated): TOPMed below 0.00001.

Submission:

GeneDx
Classification: Uncertain significance. Last evaluated: 2025-12-02. Review status: criteria provided, single submitter. Criteria: GeneDx Variant Classification Process June 2021. Collection method: clinical testing. Allele origin: germline.
Comment: Has not been previously published as pathogenic or benign to our knowledge; No data available from control populations to assess the frequency of this variant; Located in a regulatory region; in the absence of functional studies, the actual effect of this sequence change is unknown